The following is an entry in ClinVar:

ClinVar aggregate classification (germline): Uncertain significance. Review status: criteria provided, multiple submitters, no conflicts (2 of 4 stars). 3 submissions from 3 submitters: Uncertain significance (3). Last evaluated 2026-06-24.

Conditions:
Inborn genetic diseases. Identifiers: MedGen C0950123, MeSH D030342.
Nephronophthisis. Also called: Juvenile Nephronophthisis. Identifiers: Orphanet 655, MedGen C0687120, MONDO:0019005, HP:0000090.
NPHP1-related disorder. Also called: NPHP1-related condition; NPHP1-related disorders.

Allele frequency attached by ClinVar (database versions not stated): gnomAD exomes below 0.00001; gnomAD 0.00003; TOPMed 0.00005.
gnomAD v4.1: 6 of 1,612,316 alleles (0.00037%); highest among the groups gnomAD compares: Admixed American, 0.0083%; no homozygotes.

Submissions (3):

PreventionGenetics, part of Exact Sciences
Classification: Uncertain significance for NPHP1-related condition. Last evaluated: 2026-06-24. Review status: criteria provided, single submitter. Criteria: ACMG Guidelines, 2015. Collection method: clinical testing. Allele origin: germline.
Comment: The NPHP1 c.1013A>T variant is predicted to result in the amino acid substitution p.Gln338Leu. To our knowledge, this variant has not been reported in the literature or in a large population database (gnomAD), indicating this variant is rare. At this time, the clinical significance of this variant is uncertain due to the absence of conclusive functional and genetic evidence.

Labcorp Genetics (formerly Invitae), Labcorp
Classification: Uncertain significance for Nephronophthisis. Last evaluated: 2025-03-31. Review status: criteria provided, single submitter. Criteria: Invitae Variant Classification Sherloc (09022015). Collection method: clinical testing. Allele origin: germline.
Comment: This sequence change replaces glutamine, which is neutral and polar, with leucine, which is neutral and non-polar, at codon 338 of the NPHP1 protein (p.Gln338Leu). This variant is not present in population databases (gnomAD no frequency). This variant has not been reported in the literature in individuals affected with NPHP1-related conditions. ClinVar contains an entry for this variant (Variation ID: 2156263). Invitae Evidence Modeling of protein sequence and biophysical properties (such as structural, functional, and spatial information, amino acid conservation, physicochemical variation, residue mobility, and thermodynamic stability) indicates that this missense variant is not expected to disrupt NPHP1 protein function with a negative predictive value of 80%. Algorithms developed to predict the effect of sequence changes on RNA splicing suggest that this variant may disrupt the consensus splice site. In summary, the available evidence is currently insufficient to determine the role of this variant in disease. Therefore, it has been classified as a Variant of Uncertain Significance.

Ambry Genetics
Classification: Uncertain significance for Inborn genetic diseases. Last evaluated: 2024-01-04. Review status: criteria provided, single submitter. Criteria: Ambry Variant Classification Scheme 2023. Collection method: clinical testing. Allele origin: germline.

NM_001128178.3(NPHP1):c.845A>T (p.Gln282Leu)

Gene: NPHP1 (nephrocystin 1; minus strand). Cytogenetic location: 2q13.
Variant type: single nucleotide variant.
Coding change: c.845A>T on transcript NM_001128178.3 (MANE Select); coding-DNA position 845, A replaced by T.
Protein change: p.Gln282Leu; replaces glutamine 282 with leucine.
Molecular consequence: missense variant.
Genome position (GRCh38, 1-based): chr2:110,163,062, T>A on the plus strand (A>T on the coding strand, the complement: NPHP1 is on the minus strand). VCF-style: chr2-110163062-T-A. GRCh37 (hg19) VCF-style: chr2-110920639-T-A.
Other names: c.1013A>T (NM_000272.3); c.1013A>T, p.Gln338Leu (NM_000272.5); c.656A>T, p.Gln219Leu (NM_001128179.3); c.842A>T, p.Gln281Leu (NM_001374256.1); c.845A>T, p.Gln282Leu (NM_001374257.1); c.1010A>T, p.Gln337Leu (NM_207181.4); short protein forms Q219L, Q281L, Q337L, Q338L, Q282L.
Identifiers: ClinVar variation 2156263 (VCV002156263.6), dbSNP rs1209789319, ClinGen allele CA348090592.
Genomic context (GRCh38, chr2:110,163,062, plus strand): 5'-TGACTGCTTTGCTGAAAGAGTGCAGTGGCTGATAGGCACGCATTACCTTCCTCCAGAAGC[T>A]GTGAGAGCGTGGAAGGCCTGAACCCTGCAGGAATAGCTCCCATCGTAGTTAACACATCAA-3'
Protein context (NP_001121650.1, residues 272-292): PAGFRPSTLS[Gln282Leu]LLEEGNQFRA